The following is an entry in ClinVar:

NM_001009944.3(PKD1):c.6714C>G (p.Asp2238Glu)

Gene: PKD1 (polycystin 1, transient receptor potential channel interacting; minus strand). Cytogenetic location: 16p13.3.
Variant type: single nucleotide variant.
Coding change: c.6714C>G on transcript NM_001009944.3 (MANE Select); coding-DNA position 6714, C replaced by G.
Protein change: p.Asp2238Glu; replaces aspartic acid 2238 with glutamic acid.
Molecular consequence: missense variant.
Genome position (GRCh38, 1-based): chr16:2,108,453, G>C on the plus strand (C>G on the coding strand, the complement: PKD1 is on the minus strand). VCF-style: chr16-2108453-G-C. GRCh37 (hg19) VCF-style: chr16-2158454-G-C.
Other names: c.6714C>G, p.Asp2238Glu (NM_000296.4); short protein forms D2238E.
Identifiers: ClinVar variation 997220 (VCV000997220.1), dbSNP rs2092416905, ClinGen allele CA394373029.

ClinVar aggregate classification (germline): Uncertain significance (0 of 4 stars; one submission).

Conditions:
Polycystic kidney disease. Also called: Polycystic kidney dysplasia; Kidney, Polycystic. Identifiers: MedGen C0022680, MeSH D007690, MONDO:0020642, HP:0000113.

Submission:

Department of Pathology and Laboratory Medicine, Sinai Health System
Classification: Uncertain significance for Polycystic Kidney disease. Review status: no assertion criteria provided. Collection method: clinical testing. Allele origin: unknown. Affected: yes. Study: The Canadian Open Genetics Repository (COGR).
Comment: The PKD1 p.Asp2238Glu variant was not identified in the literature nor was it identified in the dbSNP, ClinVar, GeneInsight-COGR, LOVD 3.0, ADPKD Mutation Database, PKD1-LOVD, the 1000 Genomes Project, the NHLBI GO Exome Sequencing Project, the Exome Aggregation Consortium (August 8th 2016), or the Genome Aggregation Database (Feb 27, 2017). The p.Asp2238 residue is conserved in mammals and computational analyses (PolyPhen-2, SIFT, AlignGVGD, BLOSUM, MutationTaster) provide inconsistent predictions regarding the impact of the variant Glu to the protein; this information is not very predictive of pathogenicity. The variant occurs outside of the splicing consensus sequence and in silico or computational prediction software programs (SpliceSiteFinder, MaxEntScan, NNSPLICE, GeneSplicer, HumanSpliceFinder) do not predict a difference in splicing. In summary, based on the above information the clinical significance of this variant cannot be determined with certainty at this time. This variant is classified as a variant of uncertain significance.